The following is an entry in ClinVar:

NM_015338.6(ASXL1):c.4558G>A (p.Gly1520Ser)

Gene: ASXL1 (ASXL transcriptional regulator 1; plus strand). Cytogenetic location: 20q11.21.
Variant type: single nucleotide variant.
Coding change: c.4558G>A on transcript NM_015338.6 (MANE Select); coding-DNA position 4558, G replaced by A.
Protein change: p.Gly1520Ser; replaces glycine 1520 with serine.
Molecular consequence: missense variant.
Genome position (GRCh38, 1-based): chr20:32,437,270, G>A. VCF-style: chr20-32437270-G-A. GRCh37 (hg19) VCF-style: chr20-31025073-G-A.
Other names: c.4375G>A, p.Gly1459Ser (NM_001363734.1); short protein forms G1459S, G1520S.
Identifiers: ClinVar variation 2992880 (VCV002992880.3), dbSNP rs146743741, ClinGen allele CA408565434.

ClinVar aggregate classification (germline): Uncertain significance (1 of 4 stars; one submission).

Allele frequency attached by ClinVar (database versions not stated): gnomAD exomes below 0.00001; TOPMed below 0.00001.
gnomAD v4.1: 8 of 1,614,128 alleles (0.0005%); highest among the groups gnomAD compares: Non-Finnish European, 0.00059%; no homozygotes.

Submission:

Labcorp Genetics (formerly Invitae), Labcorp
Classification: Uncertain significance. Last evaluated: 2022-12-18. Review status: criteria provided, single submitter. Criteria: Invitae Variant Classification Sherloc (09022015). Collection method: clinical testing. Allele origin: germline.
Comment: In summary, the available evidence is currently insufficient to determine the role of this variant in disease. Therefore, it has been classified as a Variant of Uncertain Significance. This sequence change replaces glycine, which is neutral and non-polar, with serine, which is neutral and polar, at codon 1520 of the ASXL1 protein (p.Gly1520Ser). This variant is present in population databases (no rsID available, gnomAD 0.0009%). This variant has not been reported in the literature in individuals affected with ASXL1-related conditions. Algorithms developed to predict the effect of missense changes on protein structure and function are either unavailable or do not agree on the potential impact of this missense change (SIFT: "Deleterious"; PolyPhen-2: "Probably Damaging"; Align-GVGD: "Class C0").